The following is an entry in ClinVar:

NM_002471.4(MYH6):c.3979-3dup

Gene: MYH6 (myosin heavy chain 6; minus strand). Cytogenetic location: 14q11.2.
Variant type: Duplication.
Coding change: c.3979-3dup on transcript NM_002471.4 (MANE Select); 3 bases into the intron before coding-DNA position 3979, one base duplicated (C; older notation c.3979-3dupC).
Molecular consequence: intron variant.
Genome position (GRCh38, 1-based): chr14:23,389,058, G duplicated on the plus strand (C on the coding strand, the reverse complement: MYH6 is on the minus strand); the first of 4 consecutive G bases (chr14:23,389,058-23,389,061); duplicating any one gives the same sequence. VCF-style (leftmost placement, unchanged base first): chr14-23389057-T-TG. GRCh37 (hg19) VCF-style: chr14-23858266-T-TG.
Other names: c.3979-3dupC (NM_002471.3).
Identifiers: ClinVar variation 414316 (VCV000414316.18), dbSNP rs770492637, ClinGen allele CA7114961.

ClinVar aggregate classification (germline): Benign/Likely benign. Review status: criteria provided, multiple submitters, no conflicts (2 of 4 stars). 6 submissions from 6 submitters: Benign (2); Likely benign (3). 1 of the submissions does not count toward it. Last evaluated 2026-02-03.

Conditions:
MYH6-related disorder. Also called: MYH6-Related Disorders; MYH6-related condition.
Cardiovascular phenotype. Identifiers: MedGen CN230736.
Dilated cardiomyopathy 1EE (CMD1EE). Identifiers: Orphanet 154, MedGen C2750466, MONDO:0013198, OMIM 613252.
Atrial septal defect 3 (ASD3). Identifiers: Orphanet 1478, MedGen C3279790, MONDO:0013567, OMIM 614089.
Sick sinus syndrome 3, susceptibility to (SSS3). Identifiers: Orphanet 166282, MedGen C3279791, MONDO:0013568, OMIM 614090.
Hypertrophic cardiomyopathy 14. Identifiers: MedGen C2750467, MONDO:0013197, OMIM 613251.
Hypertrophic cardiomyopathy 1 (CMH1). Also called: MYH7-Related Familial Hypertrophic Cardiomyopathy; Familial hypertrophic cardiomyopathy 1. Identifiers: MedGen C3495498, MONDO:0008647, OMIM 192600.

Submissions (6):

Labcorp Genetics (formerly Invitae), Labcorp
Classification: Benign for Hypertrophic cardiomyopathy 14. Last evaluated: 2026-02-03. Review status: criteria provided, single submitter. Criteria: Invitae Variant Classification Sherloc (09022015). Collection method: clinical testing. Allele origin: germline.

Blueprint Genetics
Classification: Likely benign. Last evaluated: 2024-05-15. Review status: criteria provided, single submitter. Criteria: ACMG Guidelines, 2015. Collection method: clinical testing. Allele origin: germline.

Women's Health and Genetics/Laboratory Corporation of America, LabCorp
Classification: Benign. Last evaluated: 2022-05-07. Review status: criteria provided, single submitter. Criteria: LabCorp Variant Classification Summary - May 2015. Collection method: clinical testing. Allele origin: germline.

Fulgent Genetics
Classification: Likely benign for Hypertrophic cardiomyopathy 1; Hypertrophic cardiomyopathy 14; Dilated cardiomyopathy 1EE; Atrial septal defect 3; Sick sinus syndrome 3, susceptibility to. Last evaluated: 2021-10-09. Review status: criteria provided, single submitter. Criteria: ACMG Guidelines, 2015. Collection method: clinical testing. Allele origin: unknown.

Ambry Genetics
Classification: Likely benign for Cardiovascular phenotype. Last evaluated: 2019-03-04. Review status: criteria provided, single submitter. Criteria: Ambry Variant Classification Scheme 2023. Collection method: clinical testing. Allele origin: germline.

PreventionGenetics, part of Exact Sciences
Classification: Likely benign for MYH6-related condition. Last evaluated: 2019-03-29. Review status: no assertion criteria provided. Collection method: clinical testing. Allele origin: germline. Not counted in ClinVar's aggregate classification.
Comment: This variant is classified as likely benign based on ACMG/AMP sequence variant interpretation guidelines (Richards et al. 2015 PMID: 25741868, with internal and published modifications).